The following is an entry in ClinVar:

ClinVar aggregate classification (germline): Uncertain significance (1 of 4 stars; one submission).

Allele frequency attached by ClinVar (database versions not stated): gnomAD exomes below 0.00001.
gnomAD v4.1: 1 of 1,614,088 alleles (0.000062%); highest among the groups gnomAD compares: Non-Finnish European, 0.000085%; no homozygotes.

Submission:

GeneDx
Classification: Uncertain significance. Last evaluated: 2022-06-14. Review status: criteria provided, single submitter. Criteria: GeneDx Variant Classification Process June 2021. Collection method: clinical testing. Allele origin: germline. Affected: yes.
Comment: Not observed at significant frequency in large population cohorts (gnomAD); In silico analysis supports that this missense variant has a deleterious effect on protein structure/function; Has not been previously published as pathogenic or benign to our knowledge

NM_018130.3(SHQ1):c.29A>G (p.Gln10Arg)

Gene: SHQ1 (SHQ1, H/ACA ribonucleoprotein assembly factor; minus strand). Cytogenetic location: 3p13.
Variant type: single nucleotide variant.
Coding change: c.29A>G on transcript NM_018130.3 (MANE Select); coding-DNA position 29, A replaced by G.
Protein change: p.Gln10Arg; replaces glutamine 10 with arginine.
Molecular consequence: missense variant.
Genome position (GRCh38, 1-based): chr3:72,848,312, T>C on the plus strand (A>G on the coding strand, the complement: SHQ1 is on the minus strand). VCF-style: chr3-72848312-T-C. GRCh37 (hg19) VCF-style: chr3-72897463-T-C.
Other names: short protein forms Q10R.
Identifiers: ClinVar variation 1804536 (VCV001804536.1), dbSNP rs2471292902, ClinGen allele CA353497731.